The following is an entry in ClinVar:

ClinVar aggregate classification (germline): Uncertain significance. Review status: criteria provided, multiple submitters, no conflicts (2 of 4 stars). 2 submissions from 2 submitters: Uncertain significance (2). Last evaluated 2024-11-05.

Conditions:
Inborn genetic diseases. Identifiers: MedGen C0950123, MeSH D030342.

Allele frequency attached by ClinVar (database versions not stated): ExAC 0.00008; 1000 Genomes Project 30x 0.00016; TOPMed 0.00016; 1000 Genomes Project 0.00020; ESP Exome Variant Server 0.00023; gnomAD 0.00024 and 0.00028.
gnomAD v4.1: 108 of 1,614,054 alleles (0.0067%); highest among the groups gnomAD compares: African/African-American, 0.076%; no homozygotes.

Submissions (2):

Labcorp Genetics (formerly Invitae), Labcorp
Classification: Uncertain significance. Last evaluated: 2024-11-05. Review status: criteria provided, single submitter. Criteria: Invitae Variant Classification Sherloc (09022015). Collection method: clinical testing. Allele origin: germline.
Comment: This sequence change replaces alanine, which is neutral and non-polar, with threonine, which is neutral and polar, at codon 1583 of the TUBGCP6 protein (p.Ala1583Thr). This variant is present in population databases (rs138207892, gnomAD 0.07%). This variant has not been reported in the literature in individuals affected with TUBGCP6-related conditions. ClinVar contains an entry for this variant (Variation ID: 935509). An algorithm developed to predict the effect of missense changes on protein structure and function (PolyPhen-2) suggests that this variant is likely to be disruptive. In summary, the available evidence is currently insufficient to determine the role of this variant in disease. Therefore, it has been classified as a Variant of Uncertain Significance.

Ambry Genetics
Classification: Uncertain significance for Inborn genetic diseases. Last evaluated: 2021-06-22. Review status: criteria provided, single submitter. Criteria: Ambry Variant Classification Scheme 2023. Collection method: clinical testing. Allele origin: germline.

NM_020461.4(TUBGCP6):c.4747G>A (p.Ala1583Thr)

Gene: TUBGCP6 (tubulin gamma complex component 6; minus strand). Cytogenetic location: 22q13.33.
Variant type: single nucleotide variant.
Coding change: c.4747G>A on transcript NM_020461.4 (MANE Select); coding-DNA position 4747, G replaced by A.
Protein change: p.Ala1583Thr; replaces alanine 1583 with threonine.
Molecular consequence: missense variant.
Genome position (GRCh38, 1-based): chr22:50,218,777, C>T on the plus strand (G>A on the coding strand, the complement: TUBGCP6 is on the minus strand). VCF-style: chr22-50218777-C-T. GRCh37 (hg19) VCF-style: chr22-50657206-C-T.
Other names: short protein forms A1583T.
Identifiers: ClinVar variation 935509 (VCV000935509.9), dbSNP rs138207892, ClinGen allele CA10307359.